The following is an entry in ClinVar:

NM_201384.3(PLEC):c.7911G>A (p.Ala2637=)

Gene: PLEC (plectin; minus strand). Cytogenetic location: 8q24.3.
Variant type: single nucleotide variant.
Coding change: c.7911G>A on transcript NM_201384.3 (MANE Select); coding-DNA position 7911, G replaced by A.
Protein change: p.Ala2637=; no amino-acid change (alanine 2637 retained).
Molecular consequence: synonymous variant.
Genome position (GRCh38, 1-based): chr8:143,921,910, C>T on the plus strand (G>A on the coding strand, the complement: PLEC is on the minus strand). VCF-style: chr8-143921910-C-T. GRCh37 (hg19) VCF-style: chr8-144996078-C-T.
Other names: p.Ala2623=; c.7992G>A (NM_000445.3, NM_000445.4); c.7992G>A, p.Ala2664= (NM_000445.5); c.7869G>A, p.Ala2623= (NM_201378.4); c.7845G>A, p.Ala2615= (NM_201379.3); c.8322G>A, p.Ala2774= (NM_201380.4); c.7815G>A, p.Ala2605= (NM_201381.3); c.7911G>A, p.Ala2637= (NM_201382.4); and 1 more.
Identifiers: ClinVar variation 196850 (VCV000196850.16), dbSNP rs372688821, ClinGen allele CA244550.
Genomic context (GRCh38, chr8:143,921,910, plus strand): 5'-CCTCTGAGCTGACACCTTCCGCCGCAGGCCATCGAAGCTGTGCTCCGGCTCTGCCTCTGC[C>T]GCGGGGCCATCAAGTGCATCCCGGCCATTGGGCAGGGTCTTTGTGGCAGCCACCTGCGAG-3'
Protein context (NP_958786.1, residues 2627-2647): PNGRDALDGP[Ala2637=]AEAEPEHSFD

ClinVar aggregate classification (germline): Conflicting classifications of pathogenicity. Review status: criteria provided, conflicting classifications (1 of 4 stars). 6 submissions from 6 submitters: Uncertain significance (1); Likely benign (5). Last evaluated 2026-07-31.

Conditions:
PLEC-related disorder. Also called: PLEC-related condition; PLEC-related disorders.
Epidermolysis bullosa simplex 5B, with muscular dystrophy (EBS5B). Also called: EPIDERMOLYSIS BULLOSA SIMPLEX AND LIMB-GIRDLE MUSCULAR DYSTROPHY; Epidermolysis bullosa simplex with muscular dystrophy. Identifiers: Orphanet 257, MedGen C2931072, MONDO:0009181, OMIM 226670.
Epidermolysis bullosa simplex, Ogna type (EBS5A). Also called: Pidermolysis bullosa simplex 5A, Ogna type; EPIDERMOLYSIS BULLOSA SIMPLEX 5A, OGNA TYPE. Identifiers: Orphanet 79401, MedGen C0432317, MONDO:0007555, OMIM 131950.
Autosomal recessive limb-girdle muscular dystrophy type 2Q (LGMDR17). Also called: MUSCULAR DYSTROPHY, LIMB-GIRDLE, AUTOSOMAL RECESSIVE 17. Identifiers: Orphanet 254361, MedGen C3150989, MONDO:0013390, OMIM 613723.
Epidermolysis bullosa simplex with nail dystrophy (EBS5D). Identifiers: MedGen C4225309, MONDO:0014661, OMIM 616487.
Epidermolysis bullosa simplex 5C, with pyloric atresia (EBS5C). Also called: PLEC-Related Epidermolysis Bullosa with Pyloric Atresia; Epidermolysis bullosa simplex with pyloric atresia; PLEC1-Related Epidermolysis Bullosa with Pyloric Atresia. Identifiers: Orphanet 158684, MedGen C2677349, MONDO:0012807, OMIM 612138.
Inborn genetic diseases. Identifiers: MedGen C0950123, MeSH D030342.

Allele frequency attached by ClinVar (database versions not stated): gnomAD 0.00005 and 0.00007; TOPMed 0.00005; gnomAD exomes 0.00008 and 0.00016; 1000 Genomes Project 30x 0.00016; ExAC 0.00016; ESP Exome Variant Server 0.00016; 1000 Genomes Project 0.00020.
gnomAD v4.1: 117 of 1,599,934 alleles (0.0073%); highest among the groups gnomAD compares: South Asian, 0.057%; 1 homozygote.

Submissions (6):

PreventionGenetics, part of Exact Sciences
Classification: Likely benign for PLEC-related condition. Last evaluated: 2026-07-31. Review status: criteria provided, single submitter. Criteria: ACMG Guidelines, 2015. Collection method: clinical testing. Allele origin: germline.
Comment: This variant is classified as likely benign based on ACMG/AMP sequence variant interpretation guidelines (Richards et al. 2015 PMID: 25741868, with internal and published modifications).

Labcorp Genetics (formerly Invitae), Labcorp
Classification: Likely benign for Autosomal recessive limb-girdle muscular dystrophy type 2Q; Epidermolysis bullosa simplex, Ogna type; Epidermolysis bullosa simplex with nail dystrophy; Epidermolysis bullosa simplex 5C, with pyloric atresia; Epidermolysis bullosa simplex 5B, with muscular dystrophy. Last evaluated: 2026-02-02. Review status: criteria provided, single submitter. Criteria: Invitae Variant Classification Sherloc (09022015). Collection method: clinical testing. Allele origin: germline.

Ambry Genetics
Classification: Likely benign for Inborn genetic diseases. Last evaluated: 2025-08-13. Review status: criteria provided, single submitter. Criteria: Ambry Variant Classification Scheme 2023. Collection method: clinical testing. Allele origin: germline.

Mayo Clinic Laboratories, Mayo Clinic
Classification: Likely benign. Last evaluated: 2025-03-04. Review status: criteria provided, single submitter. Criteria: ACMG Guidelines, 2015. Collection method: clinical testing. Allele origin: germline. Observed: 4 variant alleles.
Comment: BP4, BP7

Blueprint Genetics
Classification: Likely benign. Last evaluated: 2024-07-30. Review status: criteria provided, single submitter. Criteria: ACMG Guidelines, 2015. Collection method: clinical testing. Allele origin: germline.

Eurofins Ntd Llc (ga)
Classification: Uncertain significance. Last evaluated: 2015-11-10. Review status: criteria provided, single submitter. Criteria: EGL Classification Definitions 2015. Collection method: clinical testing. Allele origin: germline. Observed: 3 variant alleles, 3 heterozygotes.